The following is an entry in ClinVar:

ClinVar aggregate classification (germline): Conflicting classifications of pathogenicity. Review status: criteria provided, conflicting classifications (1 of 4 stars). 4 submissions from 4 submitters: Uncertain significance (3); Benign (1). Last evaluated 2025-10-28.

Conditions:
Hereditary cancer-predisposing syndrome. Also called: Neoplastic Syndromes, Hereditary; Hereditary neoplastic syndrome; Hereditary Cancer Syndrome; Tumor predisposition. Identifiers: Orphanet 140162, MedGen C0027672, MeSH D009386, MONDO:0015356.
Familial cancer of breast. Also called: hereditary breast carcinoma; BREAST CANCER, FAMILIAL; Hereditary breast cancer. Identifiers: Orphanet 227535, MedGen C0346153, MONDO:0016419, OMIM 114480. Disease mechanism: loss of function.
Breast-ovarian cancer, familial, susceptibility to, 2 (BROVCA2). Also called: BRCA2 Hereditary Breast and Ovarian Cancer. Identifiers: Orphanet 145, MedGen C2675520, MONDO:0012933, OMIM 612555. Disease mechanism: loss of function.
Fanconi anemia complementation group D1. Also called: BRCA2-Related Fanconi Anemia. Identifiers: Orphanet 319462, MedGen C1838457, MONDO:0011584, OMIM 605724.
Medulloblastoma (MDB). Also called: Medulloblastoma, somatic; MEDULLOBLASTOMA PREDISPOSITION SYNDROME. Identifiers: Orphanet 616, MedGen C0025149, MeSH D008527, MONDO:0007959, OMIM 155255, HP:0002885.
Prostate cancer. Also called: Malignant tumor of prostate. Identifiers: Orphanet 1331, MedGen C0376358, MONDO:0008315, HP:0012125.
Wilms tumor 1 (WT1). Also called: Wilms tumor, somatic. Identifiers: Orphanet 654, MedGen CN033288, MONDO:0008679, OMIM 194070.
Pancreatic cancer, susceptibility to, 2. Identifiers: Orphanet 1333, MedGen C3150546, MONDO:0013235, OMIM 613347.
Glioma susceptibility 3 (GLM3). Also called: Glioblastoma 3. Identifiers: Orphanet 182067, Orphanet 360, MedGen C2751641, MONDO:0013093, OMIM 613029.
Hereditary breast ovarian cancer syndrome. Also called: BRCA1- and BRCA2-Associated Hereditary Breast and Ovarian Cancer; Hereditary breast and ovarian cancer syndrome; Hereditary breast and ovarian cancer syndrome (HBOC); Hereditary breast and ovarian cancer; Breast and ovarian cancer; Hereditary breast and/or ovarian cancer syndrome. Identifiers: Orphanet 145, MedGen C0677776, MeSH D061325, MONDO:0003582. Disease mechanism: loss of function.

Allele frequency attached by ClinVar (database versions not stated): gnomAD exomes below 0.00001.
gnomAD v4.1: 1 of 1,613,920 alleles (0.000062%); highest among the groups gnomAD compares: Non-Finnish European, 0.000085%; no homozygotes.

Submissions (4):

Color Diagnostics, LLC DBA Color Health
Classification: Uncertain significance for Hereditary cancer-predisposing syndrome. Last evaluated: 2025-10-28. Review status: criteria provided, single submitter. Criteria: ACMG Guidelines, 2015. Collection method: clinical testing. Allele origin: germline.
Comment: This missense variant replaces asparagine with threonine at codon 3024 of the BRCA2 protein. Computational prediction suggests that this variant may not impact protein structure and function. A functional study has reported that this variant does not impact BRCA2 in a haploid cell proliferation assay (PMID: 39779857). Multifactorial analysis reached a likelihood ratio (LR) of 0.734 based on personal and family history for one carrier (PMID: 31853058). This variant has been identified in 1/1461564 chromosomes in the general population by the Genome Aggregation Database (gnomAD). The available evidence is insufficient to determine the role of this variant in disease conclusively. Therefore, this variant is classified as a Variant of Uncertain Significance.

Labcorp Genetics (formerly Invitae), Labcorp
Classification: Uncertain significance for Hereditary breast ovarian cancer syndrome. Last evaluated: 2025-07-08. Review status: criteria provided, single submitter. Criteria: Invitae Variant Classification Sherloc (09022015). Collection method: clinical testing. Allele origin: germline.
Comment: This sequence change replaces asparagine, which is neutral and polar, with threonine, which is neutral and polar, at codon 3024 of the BRCA2 protein (p.Asn3024Thr). This variant is not present in population databases (gnomAD no frequency). This variant has not been reported in the literature in individuals affected with BRCA2-related conditions. ClinVar contains an entry for this variant (Variation ID: 141099). Invitae Evidence Modeling of protein sequence and biophysical properties (such as structural, functional, and spatial information, amino acid conservation, physicochemical variation, residue mobility, and thermodynamic stability) indicates that this missense variant is not expected to disrupt BRCA2 protein function with a negative predictive value of 95%. In summary, the available evidence is currently insufficient to determine the role of this variant in disease. Therefore, it has been classified as a Variant of Uncertain Significance.

Ambry Genetics
Classification: Benign for Hereditary cancer-predisposing syndrome. Last evaluated: 2025-05-23. Review status: criteria provided, single submitter. Criteria: Ambry Variant Classification Scheme 2023. Collection method: clinical testing. Allele origin: germline.

Fulgent Genetics
Classification: Uncertain significance for Familial cancer of breast; Medulloblastoma; Familial prostate cancer; Wilms tumor 1; Fanconi anemia complementation group D1; Breast-ovarian cancer, familial, susceptibility to, 2; Glioma susceptibility 3; Pancreatic cancer, susceptibility to, 2. Last evaluated: 2022-05-25. Review status: criteria provided, single submitter. Criteria: ACMG Guidelines, 2015. Collection method: clinical testing. Allele origin: unknown.

Literature cited by the submitters: PubMed 31853058 (cited by Color Diagnostics, LLC DBA Color Health); PubMed 39779857 (cited by Color Diagnostics, LLC DBA Color Health).

NM_000059.4(BRCA2):c.9071A>C (p.Asn3024Thr)

Gene: BRCA2 (BRCA2 DNA repair associated; plus strand). Cytogenetic location: 13q13.1.
Variant type: single nucleotide variant.
Coding change: c.9071A>C on transcript NM_000059.4 (MANE Select); coding-DNA position 9071, A replaced by C.
Protein change: p.Asn3024Thr; replaces asparagine 3024 with threonine.
Molecular consequence: missense variant.
Genome position (GRCh38, 1-based): chr13:32,379,867, A>C. VCF-style: chr13-32379867-A-C. GRCh37 (hg19) VCF-style: chr13-32954004-A-C.
Other names: short protein forms N3024T.
Identifiers: ClinVar variation 141099 (VCV000141099.14), dbSNP rs587781493, ClinGen allele CA025959.